The following is an entry in ClinVar:

ClinVar aggregate classification (germline): Uncertain significance (1 of 4 stars; one submission).

Submission:

GeneDx
Classification: Uncertain significance. Last evaluated: 2024-03-08. Review status: criteria provided, single submitter. Criteria: GeneDx Variant Classification Process June 2021. Collection method: clinical testing. Allele origin: germline. Affected: yes.
Comment: Not observed at significant frequency in large population cohorts (gnomAD); In silico analysis supports that this missense variant does not alter protein structure/function; Has not been previously published as pathogenic or benign to our knowledge

NM_003998.4(NFKB1):c.2755C>T (p.Leu919Phe)

Gene: NFKB1 (nuclear factor kappa B subunit 1; plus strand). Cytogenetic location: 4q24.
Variant type: single nucleotide variant.
Coding change: c.2755C>T on transcript NM_003998.4 (MANE Select); coding-DNA position 2755, C replaced by T.
Protein change: p.Leu919Phe; replaces leucine 919 with phenylalanine.
Molecular consequence: missense variant.
Genome position (GRCh38, 1-based): chr4:102,616,439, C>T. VCF-style: chr4-102616439-C-T. GRCh37 (hg19) VCF-style: chr4-103537596-C-T.
Other names: c.2752C>T, p.Leu918Phe (NM_001165412.2, NM_001319226.2, NM_001382627.1); c.2755C>T, p.Leu919Phe (NM_001382625.1, NM_001382626.1); c.2713C>T, p.Leu905Phe (NM_001382628.1); short protein forms L905F, L918F, L919F.
Identifiers: ClinVar variation 3370757 (VCV003370757.1).